The following is an entry in ClinVar:

ClinVar aggregate classification (germline): Uncertain significance (1 of 4 stars; one submission).

Conditions:
Intellectual disability, X-linked 102 (MRXSSB). Also called: Intellectual developmental disorder, X-linked syndromic, Snijders Blok type. Identifiers: Orphanet 457260, MedGen C5393299, MONDO:0010497, OMIM 300958.

Submission:

Victorian Clinical Genetics Services, Murdoch Childrens Research Institute
Classification: Uncertain significance for Intellectual disability, X-linked 102. Last evaluated: 2026-02-11. Review status: criteria provided, single submitter. Criteria: ACMG Guidelines, 2015. Collection method: clinical testing. Allele origin: germline. Affected: yes.
Comment: This variant is classified as VUS-3A. Evidence in support of pathogenic classification: Variant is absent from gnomAD (v2, v3 and v4); Additional information: Non-coding variant without known or predicted effect; This variant is heterozygous; This gene is associated with X-linked disease. Females may or may not be symptomatic (OMIM); This variant has no previous evidence of pathogenicity; No published evidence of segregation with disease has been identified for this variant; No published functional evidence has been identified for this variant; No comparable variants at this nucleotide have previous evidence for pathogenicity; In silico prediction for abnormal splicing and nucleotide conservation are conflicting; Loss of function is a known mechanism of disease in this gene and is associated with Snijders Blok-type X-linked syndromic intellectual developmental disorder (MIM#300958).

NM_001356.5(DDX3X):c.104-9T>G

Gene: DDX3X (DEAD-box helicase 3 X-linked; plus strand). Cytogenetic location: Xp11.4.
Variant type: single nucleotide variant.
Coding change: c.104-9T>G on transcript NM_001356.5 (MANE Select); 9 bases into the intron before coding-DNA position 104, T replaced by G.
Molecular consequence: intron variant. On other transcripts: 5 prime UTR variant (1).
Genome position (GRCh38, 1-based): chrX:41,339,027, T>G. VCF-style: chrX-41339027-T-G. GRCh37 (hg19) VCF-style: chrX-41198280-T-G.
Other names: c.-464T>G (NM_001363819.1); c.104-9T>G (NM_001193416.3); c.103+1562T>G (NM_001193417.3).
Identifiers: ClinVar variation 4879777 (VCV004879777.1).